The following is an entry in ClinVar:

NM_000329.3(RPE65):c.871A>G (p.Ile291Val)

Gene: RPE65 (retinoid isomerohydrolase RPE65; minus strand). Cytogenetic location: 1p31.3.
Variant type: single nucleotide variant.
Coding change: c.871A>G on transcript NM_000329.3 (MANE Select); coding-DNA position 871, A replaced by G.
Protein change: p.Ile291Val; replaces isoleucine 291 with valine.
Molecular consequence: missense variant.
Genome position (GRCh38, 1-based): chr1:68,439,069, T>C on the plus strand (A>G on the coding strand, the complement: RPE65 is on the minus strand). VCF-style: chr1-68439069-T-C. GRCh37 (hg19) VCF-style: chr1-68904752-T-C.
Other names: c.763A>G, p.Ile255Val (NM_001406853.1); c.595A>G, p.Ile199Val (NM_001406856.1, NM_001406857.1); c.871A>G, p.Ile291Val (NM_001406859.1); short protein forms I291V, I255V, I199V.
Identifiers: ClinVar variation 2080326 (VCV002080326.2), dbSNP rs199824408, ClinGen allele CA902357.

ClinVar aggregate classification (germline): Uncertain significance. Review status: criteria provided, multiple submitters, no conflicts (2 of 4 stars). 2 submissions from 2 submitters: Uncertain significance (2). Last evaluated 2022-11-01.

Conditions:
Leber congenital amaurosis 2 (LCA2). Also called: AMAUROSIS CONGENITA OF LEBER II; Autosomal Recessive RPE65-Related Retinal Degeneration. Identifiers: Orphanet 65, MedGen C1859844, MONDO:0008765, OMIM 204100. Disease mechanism: loss of function.
Retinitis pigmentosa 20 (RP20). Identifiers: Orphanet 791, MedGen C3151086, MONDO:0013425, OMIM 613794.

Allele frequency attached by ClinVar (database versions not stated): ExAC 0.00002; TOPMed 0.00006; gnomAD 0.00011; 1000 Genomes Project 30x 0.00031; 1000 Genomes Project 0.00040.
gnomAD v4.1: 30 of 1,614,044 alleles (0.0019%); highest among the groups gnomAD compares: African/African-American, 0.035%; no homozygotes.

Submissions (2):

Labcorp Genetics (formerly Invitae), Labcorp
Classification: Uncertain significance for Leber congenital amaurosis 2; Retinitis pigmentosa 20. Last evaluated: 2022-11-01. Review status: criteria provided, single submitter. Criteria: Invitae Variant Classification Sherloc (09022015). Collection method: clinical testing. Allele origin: germline.
Comment: This sequence change replaces isoleucine, which is neutral and non-polar, with valine, which is neutral and non-polar, at codon 291 of the RPE65 protein (p.Ile291Val). This variant is present in population databases (rs199824408, gnomAD 0.05%). This missense change has been observed in individual(s) with RPE65-related conditions (PMID: 18722466; Invitae). Advanced modeling of protein sequence and biophysical properties (such as structural, functional, and spatial information, amino acid conservation, physicochemical variation, residue mobility, and thermodynamic stability) performed at Invitae indicates that this missense variant is not expected to disrupt RPE65 protein function. In summary, the available evidence is currently insufficient to determine the role of this variant in disease. Therefore, it has been classified as a Variant of Uncertain Significance.

Blueprint Genetics
Classification: Uncertain significance. Last evaluated: 2021-12-04. Review status: criteria provided, single submitter. Criteria: ACMG Guidelines, 2015. Collection method: clinical testing. Allele origin: germline.

Literature cited by the submitters: PubMed 18722466 (cited by Labcorp Genetics (formerly Invitae), Labcorp).